The following is an entry in ClinVar:

ClinVar aggregate classification (germline): Uncertain significance (1 of 4 stars; one submission).

Conditions:
Colorectal cancer, hereditary nonpolyposis, type 7. Identifiers: Orphanet 144, MedGen C1858380, MONDO:0013725, OMIM 614385.

Submission:

Labcorp Genetics (formerly Invitae), Labcorp
Classification: Uncertain significance for Colorectal cancer, hereditary nonpolyposis, type 7. Last evaluated: 2025-10-13. Review status: criteria provided, single submitter. Criteria: Invitae Variant Classification Sherloc (09022015). Collection method: clinical testing. Allele origin: germline.
Comment: This sequence change replaces serine, which is neutral and polar, with threonine, which is neutral and polar, at codon 748 of the MLH3 protein (p.Ser748Thr). This variant is not present in population databases (gnomAD no frequency). This variant has not been reported in the literature in individuals affected with MLH3-related conditions. An algorithm developed to predict the effect of missense changes on protein structure and function (PolyPhen-2) suggests that this variant is likely to be tolerated. In summary, the available evidence is currently insufficient to determine the role of this variant in disease. Therefore, it has been classified as a Variant of Uncertain Significance.

NM_001040108.2(MLH3):c.2243G>C (p.Ser748Thr)

Gene: MLH3 (mutL homolog 3; minus strand). Cytogenetic location: 14q24.3.
Variant type: single nucleotide variant.
Coding change: c.2243G>C on transcript NM_001040108.2 (MANE Select); coding-DNA position 2243, G replaced by C.
Protein change: p.Ser748Thr; replaces serine 748 with threonine.
Molecular consequence: missense variant.
Genome position (GRCh38, 1-based): chr14:75,047,413, C>G on the plus strand (G>C on the coding strand, the complement: MLH3 is on the minus strand). VCF-style: chr14-75047413-C-G. GRCh37 (hg19) VCF-style: chr14-75514116-C-G.
Other names: c.2243G>C, p.Ser748Thr (NM_014381.3); short protein forms S748T.
Identifiers: ClinVar variation 4729105 (VCV004729105.1).